The following is an entry in ClinVar:

NM_015072.5(TTLL5):c.1970C>T (p.Pro657Leu)

Gene: TTLL5 (tubulin tyrosine ligase like 5; plus strand). Cytogenetic location: 14q24.3.
Variant type: single nucleotide variant.
Coding change: c.1970C>T on transcript NM_015072.5 (MANE Select); coding-DNA position 1970, C replaced by T.
Protein change: p.Pro657Leu; replaces proline 657 with leucine.
Molecular consequence: missense variant.
Genome position (GRCh38, 1-based): chr14:75,766,323, C>T. VCF-style: chr14-75766323-C-T. GRCh37 (hg19) VCF-style: chr14-76232666-C-T.
Other names: short protein forms P657L.
Identifiers: ClinVar variation 1023264 (VCV001023264.6), dbSNP rs1890967870, ClinGen allele CA390467757.

ClinVar aggregate classification (germline): Uncertain significance (1 of 4 stars; one submission).

Allele frequency attached by ClinVar (database versions not stated): gnomAD exomes below 0.00001.
gnomAD v4.1: 5 of 1,613,732 alleles (0.00031%); highest among the groups gnomAD compares: Non-Finnish European, 0.00042%; no homozygotes.

Submission:

Labcorp Genetics (formerly Invitae), Labcorp
Classification: Uncertain significance. Last evaluated: 2023-08-10. Review status: criteria provided, single submitter. Criteria: Invitae Variant Classification Sherloc (09022015). Collection method: clinical testing. Allele origin: germline.
Comment: This sequence change replaces proline, which is neutral and non-polar, with leucine, which is neutral and non-polar, at codon 657 of the TTLL5 protein (p.Pro657Leu). This variant is not present in population databases (gnomAD no frequency). This variant has not been reported in the literature in individuals affected with TTLL5-related conditions. ClinVar contains an entry for this variant (Variation ID: 1023264). Advanced modeling of protein sequence and biophysical properties (such as structural, functional, and spatial information, amino acid conservation, physicochemical variation, residue mobility, and thermodynamic stability) performed at Invitae indicates that this missense variant is not expected to disrupt TTLL5 protein function. In summary, the available evidence is currently insufficient to determine the role of this variant in disease. Therefore, it has been classified as a Variant of Uncertain Significance.